The following is an entry in ClinVar:

NM_001040142.2(SCN2A):c.4461C>T (p.Asp1487=)

Gene: SCN2A (sodium voltage-gated channel alpha subunit 2; plus strand). Cytogenetic location: 2q24.3.
Variant type: single nucleotide variant.
Coding change: c.4461C>T on transcript NM_001040142.2 (MANE Select); coding-DNA position 4461, C replaced by T.
Protein change: p.Asp1487=; no amino-acid change (aspartic acid 1487 retained).
Molecular consequence: synonymous variant.
Genome position (GRCh38, 1-based): chr2:165,381,107, C>T. VCF-style: chr2-165381107-C-T. GRCh37 (hg19) VCF-style: chr2-166237617-C-T.
Other names: c.4461C>T, p.Asp1487= (NM_001040143.2, NM_001371246.1, NM_001371247.1 and 1 more transcripts).
Identifiers: ClinVar variation 510854 (VCV000510854.5), dbSNP rs1553462203, ClinGen allele CA429888295.

ClinVar aggregate classification (germline): Likely benign. Review status: criteria provided, multiple submitters, no conflicts (2 of 4 stars). 2 submissions from 2 submitters: Likely benign (2). Last evaluated 2017-07-19.

Conditions:
Inborn genetic diseases. Identifiers: MedGen C0950123, MeSH D030342.

Allele frequency attached by ClinVar (database versions not stated): gnomAD exomes below 0.00001.
gnomAD v4.1: 4 of 1,586,192 alleles (0.00025%); highest among the groups gnomAD compares: South Asian, 0.0011%; no homozygotes.

Submissions (2):

GeneDx
Classification: Likely benign. Last evaluated: 2017-07-19. Review status: criteria provided, single submitter. Criteria: GeneDx Variant Classification (06012015). Collection method: clinical testing. Allele origin: germline. Affected: yes.
Comment: This variant is considered likely benign or benign based on one or more of the following criteria: it is a conservative change, it occurs at a poorly conserved position in the protein, it is predicted to be benign by multiple in silico algorithms, and/or has population frequency not consistent with disease.

Ambry Genetics
Classification: Likely benign for Inborn genetic diseases. Last evaluated: 2016-07-28. Review status: criteria provided, single submitter. Criteria: Ambry Variant Classification Scheme 2023. Collection method: clinical testing. Allele origin: germline.